The following is an entry in ClinVar:

ClinVar aggregate classification (germline): Uncertain significance. Review status: criteria provided, multiple submitters, no conflicts (2 of 4 stars). 9 submissions from 9 submitters: Uncertain significance (7). 2 of the submissions do not count toward it. Last evaluated 2026-05-06.

Conditions:
NBN-related disorder. Also called: NBN-related condition.
Hereditary cancer-predisposing syndrome. Also called: Hereditary neoplastic syndrome; Neoplastic Syndromes, Hereditary; Tumor predisposition; Hereditary Cancer Syndrome. Identifiers: Orphanet 140162, MedGen C0027672, MeSH D009386, MONDO:0015356.
Aplastic anemia. Identifiers: Orphanet 182040, Orphanet 88, MedGen C0002874, MONDO:0015909, OMIM 609135, HP:0001915.
Microcephaly, normal intelligence and immunodeficiency (NBS). Also called: IMMUNODEFICIENCY, MICROCEPHALY, AND CHROMOSOMAL INSTABILITY; Nijmegen breakage syndrome; Microcephaly with normal intelligence immunodeficiency and lymphoreticular malignancies; Nonsyndromal microcephaly autosomal recessive with normal intelligence; Seemanova syndrome 2; Immunodeficiency, microcephaly with normal intelligence. Identifiers: Orphanet 647, MedGen C0398791, MONDO:0009623, OMIM 251260.

Allele frequency attached by ClinVar (database versions not stated): gnomAD exomes below 0.00001 and 0.00001; TOPMed below 0.00001; gnomAD 0.00004 and 0.00005; 1000 Genomes Project 0.00020; 1000 Genomes Project 30x 0.00031.
gnomAD v4.1: 26 of 1,613,776 alleles (0.0016%); highest among the groups gnomAD compares: Admixed American, 0.022%; no homozygotes.

Submissions (9):

Hema, HEMA – Genetic and Molecular Diagnostic Laboratory
Classification: Uncertain significance for Microcephaly, normal intelligence and immunodeficiency. Last evaluated: 2026-05-06. Review status: criteria provided, single submitter. Criteria: HEMA Variant Classification Assertion Criteria. Collection method: clinical testing. Allele origin: germline.
Comment: The c.1373A>G p.(Tyr458Cys) variant is a transition from adenine to guanine, resulting in the substitution of tyrosine 458 with cysteine. BP4_Moderate: The computational metapredictor REVEL score = 0.18 indicates that the variant would not affect the function of the NBN protein.

Labcorp Genetics (formerly Invitae), Labcorp
Classification: Uncertain significance for Microcephaly, normal intelligence and immunodeficiency. Last evaluated: 2025-10-27. Review status: criteria provided, single submitter. Criteria: Invitae Variant Classification Sherloc (09022015). Collection method: clinical testing. Allele origin: germline.
Comment: This sequence change replaces tyrosine, which is neutral and polar, with cysteine, which is neutral and slightly polar, at codon 458 of the NBN protein (p.Tyr458Cys). This variant is present in population databases (rs544909538, gnomAD 0.0009%). This variant has not been reported in the literature in individuals affected with NBN-related conditions. ClinVar contains an entry for this variant (Variation ID: 132755). An algorithm developed to predict the effect of missense changes on protein structure and function (PolyPhen-2) suggests that this variant is likely to be disruptive. In summary, the available evidence is currently insufficient to determine the role of this variant in disease. Therefore, it has been classified as a Variant of Uncertain Significance.

GeneDx
Classification: Uncertain significance. Last evaluated: 2025-05-25. Review status: criteria provided, single submitter. Criteria: GeneDx Variant Classification Process June 2021. Collection method: clinical testing. Allele origin: germline. Affected: yes.
Comment: In silico analysis supports that this missense variant has a deleterious effect on protein structure/function; Not observed at significant frequency in large population cohorts (gnomAD); This variant is associated with the following publications: (PMID: 36346689, 33471991)

Ambry Genetics
Classification: Uncertain significance for Hereditary cancer-predisposing syndrome. Last evaluated: 2024-05-16. Review status: criteria provided, single submitter. Criteria: Ambry Variant Classification Scheme 2023. Collection method: clinical testing. Allele origin: germline.
Comment: The p.Y458C variant (also known as c.1373A>G), located in coding exon 10 of the NBN gene, results from an A to G substitution at nucleotide position 1373. The tyrosine at codon 458 is replaced by cysteine, an amino acid with highly dissimilar properties. This amino acid position is well conserved in available vertebrate species. In addition, the in silico prediction for this alteration is inconclusive. Since supporting evidence is limited at this time, the clinical significance of this alteration remains unclear.

Quest Diagnostics Nichols Institute San Juan Capistrano
Classification: Uncertain significance. Last evaluated: 2024-01-04. Review status: criteria provided, single submitter. Criteria: Quest Diagnostics criteria. Collection method: clinical testing. Allele origin: unknown.
Comment: The NBN c.1373A>G (p.Tyr458Cys) variant has been reported in the published literature in an individual with breast cancer as well as a reportedly healthy individual (PMID: 33471991 (2021), see also LOVD). This variant has also been reported in large pan-cancer screening study as a variant of uncertain significance (PMID: 36346689 (2023)). The frequency of this variant in the general population, 0.000004 (1/251184 chromosomes (Genome Aggregation Database)), is uninformative in the assessment of its pathogenicity. Analysis of this variant using bioinformatics tools for the prediction of the effect of amino acid changes on protein structure and function yielded conflicting predictions that this variant is benign or damaging. Based on the available information, we are unable to determine the clinical significance of this variant.

Baylor Genetics
Classification: Uncertain significance for Aplastic anemia. Last evaluated: 2023-11-03. Review status: criteria provided, single submitter. Criteria: ACMG Guidelines, 2015. Collection method: clinical testing. Allele origin: unknown.

Genome-Nilou Lab
Classification: Uncertain significance for Microcephaly, normal intelligence and immunodeficiency. Last evaluated: 2021-11-07. Review status: criteria provided, single submitter. Criteria: ACMG Guidelines, 2015. Collection method: clinical testing. Allele origin: germline. Affected: no.

PreventionGenetics, part of Exact Sciences
Classification: Uncertain significance for NBN-related condition. Last evaluated: 2024-08-16. Review status: no assertion criteria provided. Collection method: clinical testing. Allele origin: germline. Not counted in ClinVar's aggregate classification.
Comment: The NBN c.1373A>G variant is predicted to result in the amino acid substitution p.Tyr458Cys. This variant was identified as a germline variant in a large scale study of individuals undergoing testing for pan-cancer susceptibility (Belhadj et al. 2023. PubMed ID: 36346689). This variant is reported in 0.00088% of alleles in individuals of European (Non-Finnish) descent in gnomAD and is classified as a variant of uncertain significance in ClinVar. At this time, the clinical significance of this variant is uncertain due to the absence of conclusive functional and genetic evidence.

Natera, Inc.
Classification: Uncertain significance for Nijmegen breakage syndrome. Last evaluated: 2020-09-16. Review status: no assertion criteria provided. Collection method: clinical testing. Allele origin: germline. Not counted in ClinVar's aggregate classification.

Literature cited by the submitters: PubMed 33471991 (cited by Quest Diagnostics Nichols Institute San Juan Capistrano); PubMed 36346689 (cited by Quest Diagnostics Nichols Institute San Juan Capistrano).

NM_002485.5(NBN):c.1373A>G (p.Tyr458Cys)

Gene: NBN (nibrin; minus strand). Cytogenetic location: 8q21.3.
Variant type: single nucleotide variant.
Coding change: c.1373A>G on transcript NM_002485.5 (MANE Select); coding-DNA position 1373, A replaced by G.
Protein change: p.Tyr458Cys; replaces tyrosine 458 with cysteine.
Molecular consequence: missense variant.
Genome position (GRCh38, 1-based): chr8:89,955,307, T>C on the plus strand (A>G on the coding strand, the complement: NBN is on the minus strand). VCF-style: chr8-89955307-T-C. GRCh37 (hg19) VCF-style: chr8-90967535-T-C.
Other names: c.1127A>G, p.Tyr376Cys (NM_001024688.3); short protein forms Y458C, Y376C.
Identifiers: ClinVar variation 132755 (VCV000132755.28), dbSNP rs544909538, ClinGen allele CA332094.
Genomic context (GRCh38, chr8:89,955,307, plus strand): 5'-TTTTCAGAGACATGAGAGAAGTTATCAAAAACAGACCTTTTTTTGGTAGACGGCTGAAAG[T>C]AGTTTCTGATGGAGTTGGTCTGCTGCTGCTGAGAAGCCCTATCTTTACTTTTATTTATAC-3'
Protein context (NP_002476.2, residues 448-468): QQQQTNSIRN[Tyr458Cys]FQPSTKKRER